The following is an entry in ClinVar:

ClinVar aggregate classification (germline): Uncertain significance. Review status: criteria provided, multiple submitters, no conflicts (2 of 4 stars). 2 submissions from 2 submitters: Uncertain significance (2). Last evaluated 2021-12-24.

Conditions:
Focal segmental glomerulosclerosis 4, susceptibility to (FSGS4). Identifiers: Orphanet 84271, MedGen C2675525, MONDO:0012931, OMIM 612551.

Allele frequency attached by ClinVar (database versions not stated): gnomAD exomes 0.00001; ExAC 0.00002; TOPMed 0.00002; gnomAD 0.00005 and 0.00006; ESP Exome Variant Server 0.00008.
gnomAD v4.1: 24 of 1,614,030 alleles (0.0015%); highest among the groups gnomAD compares: Middle Eastern, 0.049%; no homozygotes.

Submissions (2):

Fulgent Genetics
Classification: Uncertain significance for Focal segmental glomerulosclerosis 4, susceptibility to. Last evaluated: 2021-12-24. Review status: criteria provided, single submitter. Criteria: ACMG Guidelines, 2015. Collection method: clinical testing. Allele origin: unknown.

Labcorp Genetics (formerly Invitae), Labcorp
Classification: Uncertain significance. Last evaluated: 2021-08-04. Review status: criteria provided, single submitter. Criteria: Invitae Variant Classification Sherloc (09022015). Collection method: clinical testing. Allele origin: germline.
Comment: In summary, the available evidence is currently insufficient to determine the role of this variant in disease. Therefore, it has been classified as a Variant of Uncertain Significance. This sequence change replaces tyrosine with histidine at codon 351 of the APOL1 protein (p.Tyr351His). The tyrosine residue is weakly conserved and there is a moderate physicochemical difference between tyrosine and histidine. This variant is present in population databases (rs375837468, ExAC 0.02%). This variant has not been reported in the literature in individuals with APOL1-related conditions. Algorithms developed to predict the effect of missense changes on protein structure and function (SIFT, PolyPhen-2, Align-GVGD) all suggest that this variant is likely to be tolerated, but these predictions have not been confirmed by published functional studies and their clinical significance is uncertain.

NM_003661.4(APOL1):c.1051T>C (p.Tyr351His)

Gene: APOL1 (apolipoprotein L1; plus strand). Cytogenetic location: 22q12.3.
Variant type: single nucleotide variant.
Coding change: c.1051T>C on transcript NM_003661.4 (MANE Select); coding-DNA position 1051, T replaced by C.
Protein change: p.Tyr351His; replaces tyrosine 351 with histidine.
Molecular consequence: missense variant.
Genome position (GRCh38, 1-based): chr22:36,265,887, T>C. VCF-style: chr22-36265887-T-C. GRCh37 (hg19) VCF-style: chr22-36661933-T-C.
Other names: c.1051T>C, p.Tyr351His (NM_001136540.2); c.997T>C, p.Tyr333His (NM_001136541.2, NM_001362927.2); c.1099T>C, p.Tyr367His (NM_145343.3); short protein forms Y333H, Y351H, Y367H.
Identifiers: ClinVar variation 1448613 (VCV001448613.8), dbSNP rs375837468, ClinGen allele CA10208818.
Genomic context (GRCh38, chr22:36,265,887, plus strand): 5'-AGAGGAGTCAAGCTCACGGATGTGGCCCCTGTAAGCTTCTTTCTTGTGCTGGATGTAGTC[T>C]ACCTCGTGTACGAATCAAAGCACTTACATGAGGGGGCAAAGTCAGAGACAGCTGAGGAGC-3'
Protein context (NP_003652.2, residues 341-361): VSFFLVLDVV[Tyr351His]LVYESKHLHE